The following is an entry in ClinVar:

ClinVar aggregate classification (germline): Uncertain significance. Review status: criteria provided, multiple submitters, no conflicts (2 of 4 stars). 2 submissions from 2 submitters: Uncertain significance (2). Last evaluated 2025-01-12.

Conditions:
Malignant hyperthermia, susceptibility to, 5 (MHS5). Also called: CACNA1S-Related Malignant Hyperthermia Susceptibility. Identifiers: Orphanet 423, MedGen C1866077, MONDO:0011163, OMIM 601887.
Hypokalemic periodic paralysis, type 1. Also called: Hypokalemic Periodic Paralysis Type 1 (AD); HypoPP. Identifiers: Orphanet 681, MedGen C3714580, MONDO:0042979, OMIM 170400.

gnomAD v4.1: 8 of 1,614,254 alleles (0.0005%); highest among the groups gnomAD compares: Non-Finnish European, 0.00068%; no homozygotes.

Submissions (2):

Labcorp Genetics (formerly Invitae), Labcorp
Classification: Uncertain significance for Hypokalemic periodic paralysis, type 1; Malignant hyperthermia, susceptibility to, 5. Last evaluated: 2025-01-12. Review status: criteria provided, single submitter. Criteria: Invitae Variant Classification Sherloc (09022015). Collection method: clinical testing. Allele origin: germline.
Comment: This sequence change replaces valine, which is neutral and non-polar, with leucine, which is neutral and non-polar, at codon 285 of the CACNA1S protein (p.Val285Leu). This variant is present in population databases (no rsID available, gnomAD 0.0009%). This variant has not been reported in the literature in individuals affected with CACNA1S-related conditions. ClinVar contains an entry for this variant (Variation ID: 2928557). Invitae Evidence Modeling of protein sequence and biophysical properties (such as structural, functional, and spatial information, amino acid conservation, physicochemical variation, residue mobility, and thermodynamic stability) has been performed for this missense variant. However, the output from this modeling did not meet the statistical confidence thresholds required to predict the impact of this variant on CACNA1S protein function. In summary, the available evidence is currently insufficient to determine the role of this variant in disease. Therefore, it has been classified as a Variant of Uncertain Significance.

All of Us Research Program, National Institutes of Health
Classification: Uncertain significance for Malignant hyperthermia, susceptibility to, 5. Last evaluated: 2024-06-11. Review status: criteria provided, single submitter. Criteria: ACMG Guidelines, 2015. Collection method: clinical testing. Allele origin: germline. Inheritance: Autosomal dominant inheritance. Observed: 3 variant alleles, 3 heterozygotes.
Comment: This missense variant replaces valine with leucine at codon 285 of the CACNA1S protein. Computational prediction suggests that this variant may have deleterious impact on protein structure and function (internally defined REVEL score threshold >= 0.7, PMID: 27666373). To our knowledge, functional studies have not been reported for this variant. This variant has not been reported in individuals affected with CACNA1S-related disorders in the literature. This variant has been identified in 1/251434 chromosomes in the general population by the Genome Aggregation Database (gnomAD). The available evidence is insufficient to determine the role of this variant in disease conclusively. Therefore, this variant is classified as a Variant of Uncertain Significance.

This study involves interpretation of variants in research participants for the purpose of population health screening. Participant phenotype was not available at the time of variant classification. Additional details can be found in publication PMID: 35346344, PMCID: PMC8962531

NM_000069.3(CACNA1S):c.853G>C (p.Val285Leu)

Gene: CACNA1S (calcium voltage-gated channel subunit alpha1 S; minus strand). Cytogenetic location: 1q32.1.
Variant type: single nucleotide variant.
Coding change: c.853G>C on transcript NM_000069.3 (MANE Select); coding-DNA position 853, G replaced by C.
Protein change: p.Val285Leu; replaces valine 285 with leucine.
Molecular consequence: missense variant.
Genome position (GRCh38, 1-based): chr1:201,089,305, C>G on the plus strand (G>C on the coding strand, the complement: CACNA1S is on the minus strand). VCF-style: chr1-201089305-C-G. GRCh37 (hg19) VCF-style: chr1-201058433-C-G.
Other names: short protein forms V285L.
Identifiers: ClinVar variation 2928557 (VCV002928557.5), dbSNP rs770679071, ClinGen allele CA344134835.